The following is an entry in ClinVar:

ClinVar aggregate classification (germline): Pathogenic (1 of 4 stars; one submission).

Conditions:
Inflammatory bowel disease 25. Also called: Inflammatory bowel disease 25, early onset, autosomal recessive. Identifiers: Orphanet 238569, MedGen C2675508, MONDO:0012941, OMIM 612567.

Submission:

Labcorp Genetics (formerly Invitae), Labcorp
Classification: Pathogenic for Inflammatory bowel disease 25. Last evaluated: 2023-06-30. Review status: criteria provided, single submitter. Criteria: Invitae Variant Classification Sherloc (09022015). Collection method: clinical testing. Allele origin: unknown.
Comment: This variant has not been reported in the literature in individuals affected with IL10RB-related conditions. For these reasons, this variant has been classified as Pathogenic. A gross deletion of the genomic region encompassing the full coding sequence of the IL10RB gene has been identified. Loss-of-function variants in IL10RB are known to be pathogenic (PMID: 22549091). The boundaries of this event are unknown as they extend beyond the assayed region for this gene and therefore may encompass additional genes.

Literature cited by the submitters: PubMed 22549091.

NC_000021.8:g.(?_34638771)_(34668662_?)del

Gene: IL10RB (interleukin 10 receptor subunit beta; plus strand). Cytogenetic location: 21q22.11.
Variant type: Deletion.
Identifiers: ClinVar variation 3248153 (VCV003248153.1).